The following is an entry in ClinVar:

NM_001378454.1(ALMS1):c.12213G>T (p.Met4071Ile)

Genes: ALMS1 (ALMS1 centrosome and basal body associated protein; plus strand), LOC126806252 (BRD4-independent group 4 enhancer GRCh37_chr2:73828496-73829695; plus strand). Cytogenetic location: 2p13.1.
Variant type: single nucleotide variant.
Coding change: c.12213G>T on transcript NM_001378454.1 (MANE Select); coding-DNA position 12213, G replaced by T.
Protein change: p.Met4071Ile; replaces methionine 4071 with isoleucine.
Molecular consequence: missense variant.
Genome position (GRCh38, 1-based): chr2:73,602,283, G>T. VCF-style: chr2-73602283-G-T. GRCh37 (hg19) VCF-style: chr2-73829410-G-T.
Other names: c.12216G>T, p.Met4072Ile (NM_015120.4); short protein forms M4071I, M4072I.
Identifiers: ClinVar variation 4987561 (VCV004987561.1).

ClinVar aggregate classification (germline): Uncertain significance (1 of 4 stars; one submission).

Conditions:
ALMS1-related disorder. Also called: ALMS1-related condition.

Submission:

PreventionGenetics, part of Exact Sciences
Classification: Uncertain significance for ALMS1-related condition. Last evaluated: 2026-03-30. Review status: criteria provided, single submitter. Criteria: ACMG Guidelines, 2015. Collection method: clinical testing. Allele origin: germline.
Comment: The ALMS1 c.12216G>T variant is predicted to result in the amino acid substitution p.Gln4072His. To our knowledge, this variant has not been reported in the literature or in a large population database (gnomAD), indicating this variant is rare. At this time, the clinical significance of this variant is uncertain due to the absence of conclusive functional and genetic evidence.